The following is an entry in ClinVar:

NM_006766.5(KAT6A):c.2546A>G (p.Gln849Arg)

Gene: KAT6A (lysine acetyltransferase 6A; minus strand). Cytogenetic location: 8p11.21.
Variant type: single nucleotide variant.
Coding change: c.2546A>G on transcript NM_006766.5 (MANE Select); coding-DNA position 2546, A replaced by G.
Protein change: p.Gln849Arg; replaces glutamine 849 with arginine.
Molecular consequence: missense variant.
Genome position (GRCh38, 1-based): chr8:41,941,335, T>C on the plus strand (A>G on the coding strand, the complement: KAT6A is on the minus strand). VCF-style: chr8-41941335-T-C. GRCh37 (hg19) VCF-style: chr8-41798853-T-C.
Other names: short protein forms Q849R.
Identifiers: ClinVar variation 2712886 (VCV002712886.3), dbSNP rs1822119692, ClinGen allele CA371072187.
Genomic context (GRCh38, chr8:41,941,335, plus strand): 5'-CCCCAGCGGCCCCTCCGAGATGGCTGGCTATTTGCAGGAAGACTATCATGAGGAAGGACT[T>C]GTTTGCTCAAACGTGTAGAACTGACTGGAGCCATAACTTCTGGTTTCTTTTCACTTTCTA-3'
Protein context (NP_006757.2, residues 839-859): APVSSTRLSK[Gln849Arg]VLPHDSLPAN

ClinVar aggregate classification (germline): Uncertain significance (1 of 4 stars; one submission).

Allele frequency attached by ClinVar (database versions not stated): TOPMed below 0.00001.

Submission:

Labcorp Genetics (formerly Invitae), Labcorp
Classification: Uncertain significance. Last evaluated: 2024-02-24. Review status: criteria provided, single submitter. Criteria: Invitae Variant Classification Sherloc (09022015). Collection method: clinical testing. Allele origin: germline.
Comment: This sequence change replaces glutamine, which is neutral and polar, with arginine, which is basic and polar, at codon 849 of the KAT6A protein (p.Gln849Arg). This variant is not present in population databases (gnomAD no frequency). This variant has not been reported in the literature in individuals affected with KAT6A-related conditions. Advanced modeling of protein sequence and biophysical properties (such as structural, functional, and spatial information, amino acid conservation, physicochemical variation, residue mobility, and thermodynamic stability) performed at Invitae indicates that this missense variant is not expected to disrupt KAT6A protein function with a negative predictive value of 80%. In summary, the available evidence is currently insufficient to determine the role of this variant in disease. Therefore, it has been classified as a Variant of Uncertain Significance.